The following is an entry in ClinVar:

ClinVar aggregate classification (germline): Uncertain significance (1 of 4 stars; one submission).

Conditions:
Neuropathy, hereditary sensory and autonomic, type 2A (HSAN2A). Also called: ACROOSTEOLYSIS, GIACCAI TYPE; ACROOSTEOLYSIS, NEUROGENIC; MORVAN DISEASE; NEUROPATHY, CONGENITAL SENSORY; NEUROPATHY, HEREDITARY SENSORY RADICULAR, AUTOSOMAL RECESSIVE; NEUROPATHY, HEREDITARY SENSORY, TYPE IIA. Identifiers: Orphanet 970, MedGen C2752089, MONDO:0024309, OMIM 201300.
Pseudohypoaldosteronism type 2C (PHA2C). Also called: Pseudohypoaldosteronism Type IIC. Identifiers: Orphanet 757, Orphanet 88940, MedGen C1840391, MONDO:0013778, OMIM 614492.

Submission:

Labcorp Genetics (formerly Invitae), Labcorp
Classification: Uncertain significance for Neuropathy, hereditary sensory and autonomic, type 2A; Pseudohypoaldosteronism type 2C. Last evaluated: 2024-01-04. Review status: criteria provided, single submitter. Criteria: Invitae Variant Classification Sherloc (09022015). Collection method: clinical testing. Allele origin: germline.
Comment: This sequence change replaces proline, which is neutral and non-polar, with serine, which is neutral and polar, at codon 1489 of the WNK1 protein (p.Pro1489Ser). This variant is not present in population databases (gnomAD no frequency). This variant has not been reported in the literature in individuals affected with WNK1-related conditions. Advanced modeling of protein sequence and biophysical properties (such as structural, functional, and spatial information, amino acid conservation, physicochemical variation, residue mobility, and thermodynamic stability) performed at Invitae indicates that this missense variant is not expected to disrupt WNK1 protein function with a negative predictive value of 95%. In summary, the available evidence is currently insufficient to determine the role of this variant in disease. Therefore, it has been classified as a Variant of Uncertain Significance.

NM_018979.4(WNK1):c.3709C>T (p.Pro1237Ser)

Gene: WNK1 (WNK lysine deficient protein kinase 1; plus strand). Cytogenetic location: 12p13.33.
Variant type: single nucleotide variant.
Coding change: c.3709C>T on transcript NM_018979.4 (MANE Select); coding-DNA position 3709, C replaced by T.
Protein change: p.Pro1237Ser; replaces proline 1237 with serine.
Molecular consequence: missense variant.
Genome position (GRCh38, 1-based): chr12:883,819, C>T. VCF-style: chr12-883819-C-T. GRCh37 (hg19) VCF-style: chr12-992985-C-T.
Other names: c.4489C>T, p.Pro1497Ser (NM_001184985.2); c.2968C>T, p.Pro990Ser (NM_014823.3); c.4465C>T, p.Pro1489Ser (NM_213655.5); short protein forms P990S, P1489S, P1237S, P1497S.
Identifiers: ClinVar variation 2936880 (VCV002936880.3), dbSNP rs2549022246, ClinGen allele CA383329692.